The following is an entry in ClinVar:

ClinVar aggregate classification (germline): Uncertain significance. Review status: criteria provided, multiple submitters, no conflicts (2 of 4 stars). 2 submissions from 2 submitters: Uncertain significance (2). Last evaluated 2025-08-27.

Conditions:
Familial encephalopathy with neuroserpin inclusion bodies. Also called: ENCEPHALOPATHY, FAMILIAL, WITH COLLINS BODIES. Identifiers: Orphanet 85110, MedGen C1858680, MONDO:0011412, OMIM 604218.
Inborn genetic diseases. Identifiers: MedGen C0950123, MeSH D030342.

Allele frequency attached by ClinVar (database versions not stated): gnomAD exomes 0.00001.
gnomAD v4.1: 3 of 1,614,116 alleles (0.00019%); highest among the groups gnomAD compares: Non-Finnish European, 0.00025%; no homozygotes.

Submissions (2):

Ambry Genetics
Classification: Uncertain significance for Inborn genetic diseases. Last evaluated: 2025-08-27. Review status: criteria provided, single submitter. Criteria: Ambry Variant Classification Scheme 2023. Collection method: clinical testing. Allele origin: germline.

Labcorp Genetics (formerly Invitae), Labcorp
Classification: Uncertain significance for Familial encephalopathy with neuroserpin inclusion bodies. Last evaluated: 2024-07-15. Review status: criteria provided, single submitter. Criteria: Invitae Variant Classification Sherloc (09022015). Collection method: clinical testing. Allele origin: germline.
Comment: This sequence change replaces alanine, which is neutral and non-polar, with threonine, which is neutral and polar, at codon 19 of the SERPINI1 protein (p.Ala19Thr). This variant is not present in population databases (gnomAD no frequency). This variant has not been reported in the literature in individuals affected with SERPINI1-related conditions. ClinVar contains an entry for this variant (Variation ID: 847169). Advanced modeling of protein sequence and biophysical properties (such as structural, functional, and spatial information, amino acid conservation, physicochemical variation, residue mobility, and thermodynamic stability) performed at Invitae indicates that this missense variant is not expected to disrupt SERPINI1 protein function with a negative predictive value of 95%. In summary, the available evidence is currently insufficient to determine the role of this variant in disease. Therefore, it has been classified as a Variant of Uncertain Significance.

NM_001122752.2(SERPINI1):c.55G>A (p.Ala19Thr)

Gene: SERPINI1 (serpin family I member 1; plus strand). Cytogenetic location: 3q26.1.
Variant type: single nucleotide variant.
Coding change: c.55G>A on transcript NM_001122752.2 (MANE Select); coding-DNA position 55, G replaced by A.
Protein change: p.Ala19Thr; replaces alanine 19 with threonine.
Molecular consequence: missense variant.
Genome position (GRCh38, 1-based): chr3:167,789,183, G>A. VCF-style: chr3-167789183-G-A. GRCh37 (hg19) VCF-style: chr3-167506971-G-A.
Other names: c.55G>A, p.Ala19Thr (NM_005025.5); short protein forms A19T.
Identifiers: ClinVar variation 847169 (VCV000847169.10), dbSNP rs1344969234, ClinGen allele CA355155444.